The following is an entry in ClinVar:

NM_007194.4(CHEK2):c.514A>G (p.Thr172Ala)

Gene: CHEK2 (checkpoint kinase 2; minus strand). Cytogenetic location: 22q12.1.
Variant type: single nucleotide variant.
Coding change: c.514A>G on transcript NM_007194.4 (MANE Select); coding-DNA position 514, A replaced by G.
Protein change: p.Thr172Ala; replaces threonine 172 with alanine.
Molecular consequence: missense variant. On other transcripts: 5 prime UTR variant (2), intron variant (1).
Genome position (GRCh38, 1-based): chr22:28,725,055, T>C on the plus strand (A>G on the coding strand, the complement: CHEK2 is on the minus strand). VCF-style: chr22-28725055-T-C. GRCh37 (hg19) VCF-style: chr22-29121043-T-C.
Other names: c.643A>G, p.Thr215Ala (NM_001005735.3, NM_001438294.1); c.-264A>G (NM_001257387.3); c.-150A>G (NM_001437942.1); c.607A>G, p.Thr203Ala (NM_001438293.1, NM_001438295.1); c.514A>G, p.Thr172Ala (NM_145862.3); c.445-132A>G (NM_001349956.3); short protein forms T172A, T215A, T203A.
Identifiers: ClinVar variation 187576 (VCV000187576.17), dbSNP rs786203836, ClinGen allele CA197998.

ClinVar aggregate classification (germline): Uncertain significance. Review status: criteria provided, multiple submitters, no conflicts (2 of 4 stars). 5 submissions from 5 submitters: Uncertain significance (5). Last evaluated 2024-09-23.

Conditions:
Familial cancer of breast. Also called: BREAST CANCER, FAMILIAL; Hereditary breast cancer; hereditary breast carcinoma. Identifiers: Orphanet 227535, MedGen C0346153, MONDO:0016419, OMIM 114480. Disease mechanism: loss of function.
Hereditary cancer-predisposing syndrome. Also called: Neoplastic Syndromes, Hereditary; Tumor predisposition; Hereditary Cancer Syndrome; Hereditary neoplastic syndrome. Identifiers: Orphanet 140162, MedGen C0027672, MeSH D009386, MONDO:0015356.

Allele frequency attached by ClinVar (database versions not stated): gnomAD exomes below 0.00001.
gnomAD v4.1: 1 of 1,614,142 alleles (0.000062%); highest among the groups gnomAD compares: Non-Finnish European, 0.000085%; no homozygotes.

Submissions (5):

Labcorp Genetics (formerly Invitae), Labcorp
Classification: Uncertain significance for Familial cancer of breast. Last evaluated: 2024-09-23. Review status: criteria provided, single submitter. Criteria: Invitae Variant Classification Sherloc (09022015). Collection method: clinical testing. Allele origin: germline.
Comment: This sequence change replaces threonine, which is neutral and polar, with alanine, which is neutral and non-polar, at codon 172 of the CHEK2 protein (p.Thr172Ala). This variant is present in population databases (rs786203836, gnomAD 0.0009%). This missense change has been observed in individual(s) with breast cancer (PMID: 18058223). ClinVar contains an entry for this variant (Variation ID: 187576). An algorithm developed to predict the effect of missense changes on protein structure and function (PolyPhen-2) suggests that this variant is likely to be tolerated. Experimental studies have shown that this missense change does not substantially affect CHEK2 function (PMID: 30851065). In summary, the available evidence is currently insufficient to determine the role of this variant in disease. Therefore, it has been classified as a Variant of Uncertain Significance.

Baylor Genetics
Classification: Uncertain significance for Familial cancer of breast. Last evaluated: 2023-09-29. Review status: criteria provided, single submitter. Criteria: ACMG Guidelines, 2015. Collection method: clinical testing. Allele origin: unknown.

Ambry Genetics
Classification: Uncertain significance for Hereditary cancer-predisposing syndrome. Last evaluated: 2022-12-06. Review status: criteria provided, single submitter. Criteria: Ambry Variant Classification Scheme 2023. Collection method: clinical testing. Allele origin: germline.
Comment: The p.T172A variant (also known as c.514A>G), located in coding exon 3 of the CHEK2 gene, results from an A to G substitution at nucleotide position 514. The threonine at codon 172 is replaced by alanine, an amino acid with similar properties. This variant was reported in 1 of 673 sporadic breast cancer patients and was not reported in 683 non-cancer controls (Kleibl Z, Breast Cancer Res. Treat. 2008 Nov; 112(1):159-64). This alteration behaved as functional in an in vivo, yeast-based growth rate assay (Delimitsou A et al. Hum Mutat, 2019 May;40:631-648). This amino acid position is poorly conserved in available vertebrate species. In addition, this alteration is predicted to be tolerated by in silico analysis. Since supporting evidence is limited at this time, the clinical significance of this alteration remains unclear.

Color Diagnostics, LLC DBA Color Health
Classification: Uncertain significance for Hereditary cancer-predisposing syndrome. Last evaluated: 2018-11-22. Review status: criteria provided, single submitter. Criteria: ACMG Guidelines, 2015. Collection method: clinical testing. Allele origin: germline.

Women's Health and Genetics/Laboratory Corporation of America, LabCorp
Classification: Uncertain significance. Last evaluated: 2016-09-30. Review status: criteria provided, single submitter. Criteria: LabCorp Variant Classification Summary - May 2015. Collection method: clinical testing. Allele origin: germline.
Comment: Variant summary: The c.514A>G (p.Thr172Ala) in CHEK2 gene is a missense change that involves a non-conserved nucleotide and 3/4 in silico tools predict benign outcome and this change could be tolerated based on conservation analysis. The variant of interest is located within highly conserved FHA domain, although the functional impact of this missense change is yet to be studied. The variant is absent from the large control population dataset of ExAC. The variant has been reported in 1 sporadic BrC case without strong evidence for causality (Kleibl, 2008). In addition, it was cited as VUS by a reputable database/clinical laboratory. Taken together, the variant was classified as VUS until more data becomes available.

Literature cited by the submitters: PubMed 18058223 (cited by 3 submitters); PubMed 30851065 (cited by Labcorp Genetics (formerly Invitae), Labcorp and Ambry Genetics).